The following is an entry in ClinVar:

ClinVar aggregate classification (germline): Uncertain significance (1 of 4 stars; one submission).

Conditions:
21-Hydroxylase-Deficient Congenital Adrenal Hyperplasia. Also called: ADRENAL HYPERPLASIA III; ADRENAL HYPERPLASIA, CONGENITAL, DUE TO 21-HYDROXYLASE DEFICIENCY. Identifiers: MedGen C2936858, OMIM 201910.

Submission:

Hema, HEMA – Genetic and Molecular Diagnostic Laboratory
Classification: Uncertain significance for 21-Hydroxylase-Deficient Congenital Adrenal Hyperplasia. Last evaluated: 2026-09-07. Review status: criteria provided, single submitter. Criteria: HEMA Variant Classification Assertion Criteria. Collection method: clinical testing. Allele origin: germline.
Comment: The c.1045A>G p.(Thr349Ala) variant is a transition from adenine to guanine, resulting in the substitution of threonine 349 with alanine. PM2_Supporting: Present at very low frequency in gnomAD.

NM_000500.9(CYP21A2):c.1045A>G (p.Thr349Ala)

Genes: CYP21A2 (cytochrome P450 family 21 subfamily A member 2; plus strand), LOC106780800 (CYP21A2 recombination region; plus strand). Cytogenetic location: 6p21.33.
Variant type: single nucleotide variant.
Coding change: c.1045A>G on transcript NM_000500.9 (MANE Select); coding-DNA position 1045, A replaced by G.
Protein change: p.Thr349Ala; replaces threonine 349 with alanine.
Molecular consequence: missense variant.
Genome position (GRCh38, 1-based): chr6:32,040,511, A>G. VCF-style: chr6-32040511-A-G. GRCh37 (hg19) VCF-style: chr6-32008288-A-G.
Other names: c.955A>G, p.Thr319Ala (NM_001128590.4); c.640A>G, p.Thr214Ala (NM_001368143.2, NM_001368144.2); short protein forms T214A, T319A, T349A.
Identifiers: ClinVar variation 5042618 (VCV005042618.1), dbSNP rs1468280654.